The following is an entry in ClinVar:

NM_001204.7(BMPR2):c.871_872dup (p.Leu291fs)

Gene: BMPR2 (bone morphogenetic protein receptor type 2; plus strand). Cytogenetic location: 2q33.2.
Variant type: Duplication.
Coding change: c.871_872dup on transcript NM_001204.7 (MANE Select); coding-DNA positions 871 to 872, 2 bases duplicated (TT; older notation c.871_872dupTT).
Protein change: p.Leu291fs; shifts the reading frame from leucine 291.
Molecular consequence: frameshift variant.
Genome position (GRCh38, 1-based): chr2:202,520,105-202,520,106, TT duplicated; duplicating any 2 consecutive bases within chr2:202,520,104-202,520,106 gives the same sequence; the c. name uses the placement nearest the transcript's 3' end. VCF-style (leftmost placement, unchanged base first): chr2-202520103-A-ATT. GRCh37 (hg19) VCF-style: chr2-203384826-A-ATT.
Other names: short protein forms L291fs.
Identifiers: ClinVar variation 2826959 (VCV002826959.3), dbSNP rs1085307270, ClinGen allele CA2739279435.

ClinVar aggregate classification (germline): Pathogenic (1 of 4 stars; one submission).

Conditions:
Primary pulmonary hypertension. Also called: Idiopathic pulmonary hypertension. Identifiers: MedGen C0152171.

Submission:

Labcorp Genetics (formerly Invitae), Labcorp
Classification: Pathogenic for Primary pulmonary hypertension. Last evaluated: 2023-01-08. Review status: criteria provided, single submitter. Criteria: Invitae Variant Classification Sherloc (09022015). Collection method: clinical testing. Allele origin: germline.
Comment: For these reasons, this variant has been classified as Pathogenic. This variant has not been reported in the literature in individuals affected with BMPR2-related conditions. This variant is not present in population databases (gnomAD no frequency). This sequence change creates a premature translational stop signal (p.Leu291Phefs*2) in the BMPR2 gene. It is expected to result in an absent or disrupted protein product. Loss-of-function variants in BMPR2 are known to be pathogenic (PMID: 16429395).

Literature cited by the submitters: PubMed 16429395.